The following is an entry in ClinVar:

ClinVar aggregate classification (germline): Benign/Likely benign. Review status: criteria provided, multiple submitters, no conflicts (2 of 4 stars). 6 submissions from 6 submitters: Benign (3); Likely benign (2). 1 of the submissions does not count toward it. Last evaluated 2024-11-20.

Conditions:
DPYD-related disorder. Also called: DPYD-related condition.
Dihydropyrimidine dehydrogenase deficiency (DPYDD). Also called: DPD DEFICIENCY; DPYD DEFICIENCY; Hereditary Thymine-Uraciluria. Identifiers: Orphanet 1675, MedGen C1959620, MONDO:0010130, OMIM 274270.
Inborn genetic diseases. Identifiers: MedGen C0950123, MeSH D030342.

Allele frequency attached by ClinVar (database versions not stated): ESP Exome Variant Server 0.00500; gnomAD 0.00519; TOPMed 0.00577; 1000 Genomes Project 30x 0.00609; 1000 Genomes Project 0.00679.
gnomAD v4.1: 1,638 of 1,613,866 alleles (0.1%); highest among the groups gnomAD compares: African/African-American, 1.9%; 16 homozygotes.

Submissions (6):

Blueprint Genetics
Classification: Likely benign. Last evaluated: 2024-11-20. Review status: criteria provided, single submitter. Criteria: ACMG Guidelines, 2015. Collection method: clinical testing. Allele origin: germline.

Genome-Nilou Lab
Classification: Benign for Dihydropyrimidine dehydrogenase deficiency. Last evaluated: 2023-04-11. Review status: criteria provided, single submitter. Criteria: ACMG Guidelines, 2015. Collection method: clinical testing. Allele origin: germline. Affected: no.

Ambry Genetics
Classification: Likely benign for Inborn genetic diseases. Last evaluated: 2022-04-19. Review status: criteria provided, single submitter. Criteria: Ambry Variant Classification Scheme 2023. Collection method: clinical testing. Allele origin: germline.

Labcorp Genetics (formerly Invitae), Labcorp
Classification: Benign. Last evaluated: 2019-12-31. Review status: criteria provided, single submitter. Criteria: Invitae Variant Classification Sherloc (09022015). Collection method: clinical testing. Allele origin: germline.

Breakthrough Genomics
Classification: Benign. Review status: criteria provided, single submitter. Criteria: ACMG Guidelines, 2015. Collection method: not provided. Allele origin: germline. Inheritance: Autosomal recessive inheritance. Affected: yes.

PreventionGenetics, part of Exact Sciences
Classification: Benign for DPYD-related condition. Last evaluated: 2019-08-28. Review status: no assertion criteria provided. Collection method: clinical testing. Allele origin: germline. Not counted in ClinVar's aggregate classification.
Comment: This variant is classified as benign based on ACMG/AMP sequence variant interpretation guidelines (Richards et al. 2015 PMID: 25741868, with internal and published modifications).

NM_000110.4(DPYD):c.1494A>G (p.Gln498=)

Gene: DPYD (dihydropyrimidine dehydrogenase; minus strand). Cytogenetic location: 1p21.3.
Variant type: single nucleotide variant.
Coding change: c.1494A>G on transcript NM_000110.4 (MANE Select); coding-DNA position 1494, A replaced by G.
Protein change: p.Gln498=; no amino-acid change (glutamine 498 retained).
Molecular consequence: synonymous variant.
Genome position (GRCh38, 1-based): chr1:97,549,590, T>C on the plus strand (A>G on the coding strand, the complement: DPYD is on the minus strand). VCF-style: chr1-97549590-T-C. GRCh37 (hg19) VCF-style: chr1-98015146-T-C.
Identifiers: ClinVar variation 711962 (VCV000711962.11), dbSNP rs116364703, ClinGen allele CA963336.